The following is an entry in ClinVar:

ClinVar aggregate classification (germline): Pathogenic (1 of 4 stars; one submission).

Conditions:
Brachyolmia-amelogenesis imperfecta syndrome. Also called: PLATYSPONDYLY WITH AMELOGENESIS IMPERFECTA; Tooth agenesis, selective, 6; Dental anomalies and short stature. Identifiers: Orphanet 2899, MedGen C1832594, MONDO:0011018, OMIM 601216. Disease mechanism: loss of function.

Submission:

Labcorp Genetics (formerly Invitae), Labcorp
Classification: Pathogenic for Brachyolmia-amelogenesis imperfecta syndrome. Last evaluated: 2024-02-09. Review status: criteria provided, single submitter. Criteria: Invitae Variant Classification Sherloc (09022015). Collection method: clinical testing. Allele origin: germline.
Comment: This sequence change creates a premature translational stop signal (p.Gln737Argfs*9) in the LTBP3 gene. It is expected to result in an absent or disrupted protein product. Loss-of-function variants in LTBP3 are known to be pathogenic (PMID: 11790802, 19344874, 25669657). This variant is not present in population databases (gnomAD no frequency). This variant has not been reported in the literature in individuals affected with LTBP3-related conditions. For these reasons, this variant has been classified as Pathogenic.

Literature cited by the submitters: PubMed 11790802; PubMed 19344874; PubMed 25669657.

NM_001130144.3(LTBP3):c.2209del (p.Gln737fs)

Genes: LTBP3 (latent transforming growth factor beta binding protein 3; minus strand), LOC130006030 (ATAC-STARR-seq lymphoblastoid silent region 3533; plus strand). Cytogenetic location: 11q13.1.
Variant type: Deletion.
Coding change: c.2209del on transcript NM_001130144.3 (MANE Select); coding-DNA position 2209, one base deleted (C; older notation c.2209delC).
Protein change: p.Gln737fs; shifts the reading frame from glutamine 737.
Molecular consequence: frameshift variant.
Genome position (GRCh38, 1-based): chr11:65,546,819, G deleted on the plus strand (C on the coding strand, the reverse complement: LTBP3 is on the minus strand); the first of 2 consecutive G bases (chr11:65,546,819-65,546,820); deleting either gives the same sequence. VCF-style (leftmost placement, unchanged base first): chr11-65546818-TG-T. GRCh37 (hg19) VCF-style: chr11-65314289-TG-T.
Other names: c.1858del, p.Gln620fs (NM_001164266.1); c.2209del, p.Gln737fs (NM_021070.4); short protein forms Q620fs, Q737fs.
Identifiers: ClinVar variation 2955226 (VCV002955226.3), dbSNP rs2496149719, ClinGen allele CA2740093055.
Genomic context (GRCh38, chr11:65,546,818, plus strand): 5'-CTGACGGCCCCACCCACTCGGCTCCGGGCCCCGCCCTCACCGCGACAGGCCCCGCCCCCC[TG>T]GCTGCGGTAGCCAGGCTGACAGGCGATGCACTTGAAGCTCCCGGGCTTGTTCTCGCATTT-3'